The following is an entry in ClinVar:

NM_001142800.2(EYS):c.3569-3C>G

Gene: EYS (EGF-like photoreceptor maintenance factor; minus strand). Cytogenetic location: 6q12.
Variant type: single nucleotide variant.
Coding change: c.3569-3C>G on transcript NM_001142800.2 (MANE Select); 3 bases into the intron before coding-DNA position 3569, C replaced by G.
Molecular consequence: intron variant.
Genome position (GRCh38, 1-based): chr6:64,617,536, G>C on the plus strand (C>G on the coding strand, the complement: EYS is on the minus strand). VCF-style: chr6-64617536-G-C. GRCh37 (hg19) VCF-style: chr6-65327429-G-C.
Other names: c.3569-3C>G (NM_001292009.2).
Identifiers: ClinVar variation 2118856 (VCV002118856.4), dbSNP rs2533214690, ClinGen allele CA2580075642.

ClinVar aggregate classification (germline): Uncertain significance (1 of 4 stars; one submission).

Submission:

Labcorp Genetics (formerly Invitae), Labcorp
Classification: Uncertain significance. Last evaluated: 2022-04-28. Review status: criteria provided, single submitter. Criteria: Invitae Variant Classification Sherloc (09022015). Collection method: clinical testing. Allele origin: germline.
Comment: This variant has been observed in individual(s) with retinitis pigmentosa (Invitae). This variant is not present in population databases (gnomAD no frequency). This sequence change falls in intron 23 of the EYS gene. It does not directly change the encoded amino acid sequence of the EYS protein. It affects a nucleotide within the consensus splice site. In summary, the available evidence is currently insufficient to determine the role of this variant in disease. Therefore, it has been classified as a Variant of Uncertain Significance. Variants that disrupt the consensus splice site are a relatively common cause of aberrant splicing (PMID: 17576681, 9536098). Algorithms developed to predict the effect of sequence changes on RNA splicing suggest that this variant may disrupt the consensus splice site.

Literature cited by the submitters: PubMed 17576681; PubMed 9536098.